The following is an entry in ClinVar:

NM_004370.6(COL12A1):c.6231A>C (p.Arg2077Ser)

Gene: COL12A1 (collagen type XII alpha 1 chain; minus strand). Cytogenetic location: 6q13.
Variant type: single nucleotide variant.
Coding change: c.6231A>C on transcript NM_004370.6 (MANE Select); coding-DNA position 6231, A replaced by C.
Protein change: p.Arg2077Ser; replaces arginine 2077 with serine.
Molecular consequence: missense variant.
Genome position (GRCh38, 1-based): chr6:75,128,405, T>G on the plus strand (A>C on the coding strand, the complement: COL12A1 is on the minus strand). VCF-style: chr6-75128405-T-G. GRCh37 (hg19) VCF-style: chr6-75838121-T-G.
Other names: c.2739A>C, p.Arg913Ser (NM_080645.3); short protein forms R913S, R2077S.
Identifiers: ClinVar variation 1952611 (VCV001952611.6), dbSNP rs1766123742, ClinGen allele CA364730525.

ClinVar aggregate classification (germline): Uncertain significance. Review status: criteria provided, multiple submitters, no conflicts (2 of 4 stars). 2 submissions from 2 submitters: Uncertain significance (2). Last evaluated 2024-04-30.

Conditions:
Bethlem myopathy 2 (BTHLM2). Identifiers: Orphanet 536516, Orphanet 610, MedGen C4225313, MONDO:0034022, OMIM 616471.
Ullrich congenital muscular dystrophy 2 (UCMD2). Identifiers: Orphanet 75840, MedGen C4225314, MONDO:0014654, OMIM 616470.

Allele frequency attached by ClinVar (database versions not stated): gnomAD 0.00001; gnomAD exomes 0.00001.
gnomAD v4.1: 5 of 1,603,956 alleles (0.00031%); highest among the groups gnomAD compares: South Asian, 0.0056%; no homozygotes.

Submissions (2):

Genetics and Genomic Medicine Centre, NeuroGen Healthcare, NeuroGen Healthcare
Classification: Uncertain significance for Bethlem myopathy 2. Last evaluated: 2024-04-30. Review status: criteria provided, single submitter. Criteria: ACMG Guidelines, 2015. Collection method: clinical testing. Allele origin: unknown. Affected: yes.

Labcorp Genetics (formerly Invitae), Labcorp
Classification: Uncertain significance for Bethlem myopathy 2; Ullrich congenital muscular dystrophy 2. Last evaluated: 2022-04-16. Review status: criteria provided, single submitter. Criteria: Invitae Variant Classification Sherloc (09022015). Collection method: clinical testing. Allele origin: germline.
Comment: This variant has not been reported in the literature in individuals affected with COL12A1-related conditions. This variant is not present in population databases (gnomAD no frequency). This sequence change replaces arginine, which is basic and polar, with serine, which is neutral and polar, at codon 2077 of the COL12A1 protein (p.Arg2077Ser). Algorithms developed to predict the effect of missense changes on protein structure and function are either unavailable or do not agree on the potential impact of this missense change (SIFT: "Deleterious"; PolyPhen-2: "Probably Damaging"; Align-GVGD: "Class C0"). In summary, the available evidence is currently insufficient to determine the role of this variant in disease. Therefore, it has been classified as a Variant of Uncertain Significance.